The following is an entry in ClinVar:

ClinVar aggregate classification (germline): Uncertain significance (1 of 4 stars; one submission).

Submission:

GeneDx
Classification: Uncertain significance. Last evaluated: 2023-12-07. Review status: criteria provided, single submitter. Criteria: GeneDx Variant Classification Process June 2021. Collection method: clinical testing. Allele origin: germline. Affected: yes.
Comment: Not observed at significant frequency in large population cohorts (gnomAD); In silico analysis supports that this missense variant has a deleterious effect on protein structure/function; Has not been previously published as pathogenic or benign to our knowledge

NM_015570.4(AUTS2):c.2368C>T (p.His790Tyr)

Gene: AUTS2 (activator of transcription and developmental regulator AUTS2; plus strand). Cytogenetic location: 7q11.22.
Variant type: single nucleotide variant.
Coding change: c.2368C>T on transcript NM_015570.4 (MANE Select); coding-DNA position 2368, C replaced by T.
Protein change: p.His790Tyr; replaces histidine 790 with tyrosine.
Molecular consequence: missense variant.
Genome position (GRCh38, 1-based): chr7:70,787,268, C>T. VCF-style: chr7-70787268-C-T. GRCh37 (hg19) VCF-style: chr7-70252254-C-T.
Other names: c.2296C>T, p.His766Tyr (NM_001127231.3); short protein forms H766Y, H790Y.
Identifiers: ClinVar variation 3252356 (VCV003252356.1), dbSNP rs2484939970.